The following is an entry in ClinVar:

ClinVar aggregate classification (germline): Uncertain significance. Review status: criteria provided, multiple submitters, no conflicts (2 of 4 stars). 2 submissions from 2 submitters: Uncertain significance (2). Last evaluated 2024-12-03.

Allele frequency attached by ClinVar (database versions not stated): gnomAD exomes 0.00003 and 0.00006; ExAC 0.00020; 1000 Genomes Project 30x 0.00031; 1000 Genomes Project 0.00040; gnomAD 0.00043 and 0.00045; TOPMed 0.00053.
gnomAD v4.1: 115 of 1,551,174 alleles (0.0074%); highest among the groups gnomAD compares: African/African-American, 0.14%; no homozygotes.

Submissions (2):

GeneDx
Classification: Uncertain significance. Last evaluated: 2024-12-03. Review status: criteria provided, single submitter. Criteria: GeneDx Variant Classification Process June 2021. Collection method: clinical testing. Allele origin: germline. Affected: yes.
Comment: Has not been previously published as pathogenic or benign to our knowledge; In silico analysis indicates that this variant does not alter splicing

Breakthrough Genomics
Classification: Uncertain significance. Review status: criteria provided, single submitter. Criteria: ACMG Guidelines, 2015. Collection method: not provided. Allele origin: germline. Inheritance: Autosomal recessive inheritance. Affected: yes.

NM_001145026.2(PTPRQ):c.3531A>G (p.Pro1177=)

Gene: PTPRQ (protein tyrosine phosphatase receptor type Q; plus strand). Cytogenetic location: 12q21.31.
Variant type: single nucleotide variant.
Coding change: c.3531A>G on transcript NM_001145026.2 (MANE Select); coding-DNA position 3531, A replaced by G.
Protein change: p.Pro1177=; no amino-acid change (proline 1177 retained).
Molecular consequence: synonymous variant.
Genome position (GRCh38, 1-based): chr12:80,542,174, A>G. VCF-style: chr12-80542174-A-G. GRCh37 (hg19) VCF-style: chr12-80935953-A-G.
Identifiers: ClinVar variation 1326014 (VCV001326014.5), dbSNP rs559010597, ClinGen allele CA6702644.
Genomic context (GRCh38, chr12:80,542,174, plus strand): 5'-CACTTTTAAAAACCTTTCCTCTACCTCAGTTCTCTTATCATGGGATCCCCCAGTAAAGCC[A>G]AATGGTGCAATAATAAGTTATGATTTAACTTTACAAGGACCAAATGAAAATTATTCTTTC-3'
Protein context (NP_001138498.1, residues 1167-1187): VLLSWDPPVK[Pro1177=]NGAIISYDLT